The following is an entry in ClinVar:

ClinVar aggregate classification (germline): Likely benign. Review status: criteria provided, multiple submitters, no conflicts (2 of 4 stars). 2 submissions from 2 submitters: Likely benign (2). Last evaluated 2026-01-26.

Conditions:
Peroxisome biogenesis disorder. Identifiers: Orphanet 79189, MedGen C1832200, MONDO:0019234. Disease mechanism: loss of function.
PEX6-related disorder. Also called: PEX6-related disorders; PEX6-related condition.

Submissions (2):

Labcorp Genetics (formerly Invitae), Labcorp
Classification: Likely benign for Peroxisome biogenesis disorder. Last evaluated: 2026-01-26. Review status: criteria provided, single submitter. Criteria: Invitae Variant Classification Sherloc (09022015). Collection method: clinical testing. Allele origin: germline.

PreventionGenetics, part of Exact Sciences
Classification: Likely benign for PEX6-related condition. Last evaluated: 2024-12-21. Review status: criteria provided, single submitter. Criteria: ACMG Guidelines, 2015. Collection method: clinical testing. Allele origin: germline.
Comment: This variant is classified as likely benign based on ACMG/AMP sequence variant interpretation guidelines (Richards et al. 2015 PMID: 25741868, with internal and published modifications).

NM_000287.4(PEX6):c.1962-6_1962-5del

Gene: PEX6 (peroxisomal biogenesis factor 6; minus strand). Cytogenetic location: 6p21.1.
Variant type: Deletion.
Coding change: c.1962-6_1962-5del on transcript NM_000287.4 (MANE Select); 6 bases into the intron before coding-DNA position 1962 through 5 bases into the intron before coding-DNA position 1962, 2 bases deleted (TT; older notation c.1962-6_1962-5delTT).
Molecular consequence: intron variant.
Genome position (GRCh38, 1-based): chr6:42,966,662-42,966,663, AA deleted on the plus strand (TT on the coding strand, the reverse complement: PEX6 is on the minus strand); deleting any 2 consecutive bases within chr6:42,966,662-42,966,664 gives the same sequence; the c. name uses the placement nearest the transcript's 3' end. VCF-style (leftmost placement, unchanged base first): chr6-42966661-CAA-C. GRCh37 (hg19) VCF-style: chr6-42934399-CAA-C.
Other names: c.1962-6_1962-5delTT (NM_000287.3); c.1698-6_1698-5del (NM_001316313.2).
Identifiers: ClinVar variation 1093490 (VCV001093490.10), dbSNP rs776963487, ClinGen allele CA3811149.
Genomic context (GRCh38, chr6:42,966,661, plus strand): 5'-GGAAAGCCGGCAGCACACAGCTCCCCCTCATCCTCCTCAGTCAAGCCACCTGCCAAACTG[CAA>C]AGAGGAACACAGGGAAGCCTCCTCACCATCAGCGTCCCATTCCCTTCTCCCTTCCTCACC-3'